The following is an entry in ClinVar:

NM_000138.5(FBN1):c.7648T>A (p.Cys2550Ser)

Gene: FBN1 (fibrillin 1; minus strand). Cytogenetic location: 15q21.1.
Variant type: single nucleotide variant.
Coding change: c.7648T>A on transcript NM_000138.5 (MANE Select); coding-DNA position 7648, T replaced by A.
Protein change: p.Cys2550Ser; replaces cysteine 2550 with serine.
Molecular consequence: missense variant.
Genome position (GRCh38, 1-based): chr15:48,421,609, A>T on the plus strand (T>A on the coding strand, the complement: FBN1 is on the minus strand). VCF-style: chr15-48421609-A-T. GRCh37 (hg19) VCF-style: chr15-48713806-A-T.
Other names: NM_000138.5(FBN1):c.7648T>A; p.Cys2550Ser; short protein forms C2550S.
Identifiers: ClinVar variation 626877 (VCV000626877.10), dbSNP rs1566891675, ClinGen allele CA392325136.

ClinVar aggregate classification (germline): Likely pathogenic. Review status: reviewed by expert panel (3 of 4 stars). 3 submissions from 3 submitters: Likely pathogenic (1). 2 of the submissions do not count toward it. Last evaluated 2024-08-22.

Conditions:
Familial thoracic aortic aneurysm and aortic dissection (TAAD). Also called: Thoracic aortic aneurysms and dissections. Identifiers: Orphanet 91387, MedGen C4707243, MONDO:0019625.
Marfan syndrome (MFS). Also called: FBN1-Related Marfan Syndrome; Marfan syndrome type 1; Marfan's syndrome; Marfan syndrome, classic; MARFAN SYNDROME, TYPE I. Identifiers: Orphanet 284963, Orphanet 558, MedGen C0024796, MONDO:0007947, OMIM 154700.

Submissions (3):

ClinGen FBN1 Variant Curation Expert Panel, ClinGen
Classification: Likely pathogenic for Marfan syndrome. Last evaluated: 2024-08-22. Review status: reviewed by expert panel. Criteria: Assertion Criteria VCEP FBN1 Version 1. Collection method: curation. Allele origin: germline.
Comment: The NM_00138:c.6724C>T is a missense variant in FBN1 predicted to cause a substitution of cysteine by serine at amino acid 2250 (p.Cys2250Ser). This variant has been reported twice in ClinVar, once as pathogenic and once as uncertain significance (Variation ID: 626877). This variant was found in an individual with the clinical diagnosis of Marfan syndrome (invitae, PP4) and in two additional individuals, with the clinical diagnosis of Marfan syndrome (PMID 24199744) (PS4_Supporting) This variant is absent in gnomAD (v2.1.1, PM2_Supporting). This variant is disrupting a cysteine residue in a cbEGF domain. Cysteine residues are believed to be involved in the formation of disulfide bridges which are essential for the protein structure (PM1_strong). Computational prediction tools and conservation analysis suggest that this variant may impact the protein (REVEL score 0.99, PP3). The constraint z-score for missense variants affecting FBN1 is 8.2 (gnomAD v.4.1.0, PP2). In summary, this variant is classified as Likely Pathogenic for Marfan syndrome based on the ACMG/AMP criteria applied, as specified by the ClinGen FBN1 VCEP: PM1 Strong, PS4_supporting, PM2_Supporting, PP4, PP3, PP2.

Labcorp Genetics (formerly Invitae), Labcorp
Classification: Pathogenic for Marfan syndrome; Familial thoracic aortic aneurysm and aortic dissection. Last evaluated: 2020-11-24. Review status: criteria provided, single submitter. Criteria: Invitae Variant Classification Sherloc (09022015). Collection method: clinical testing. Allele origin: germline. Not counted in ClinVar's aggregate classification.
Comment: This variant disrupts the p.Cys2550 amino acid residue in FBN1. Other variant(s) that disrupt this residue have been observed in individuals with FBN1-related conditions (PMID: 24199744), which suggests that this may be a clinically significant amino acid residue. For these reasons, this variant has been classified as Pathogenic. This variant affects a cysteine residue in the EGF-like, TGFBP or hybrid motif domains of FBN1. Cysteine residues are believed to be involved in intramolecular disulfide bridges and have been shown to be important for FBN1 protein structure (PMID: 16905551, 19349279). In addition, missense substitutions affecting cysteine residues within these domains are significantly overrepresented among patients with Marfan syndrome (PMID: 16571647, 17701892). Advanced modeling of protein sequence and biophysical properties (such as structural, functional, and spatial information, amino acid conservation, physicochemical variation, residue mobility, and thermodynamic stability) performed at Invitae indicates that this missense variant is expected to disrupt FBN1 protein function. This variant has been observed in individual(s) with clinical features of Marfan syndrome (Invitae). ClinVar contains an entry for this variant (Variation ID: 626877). This variant is not present in population databases (ExAC no frequency). This sequence change replaces cysteine with serine at codon 2550 of the FBN1 protein (p.Cys2550Ser). The cysteine residue is highly conserved and there is a moderate physicochemical difference between cysteine and serine.

CHEO Genetics Diagnostic Laboratory, Children's Hospital of Eastern Ontario
Classification: Uncertain significance for Familial thoracic aortic aneurysm and aortic dissection. Last evaluated: 2017-10-20. Review status: criteria provided, single submitter. Criteria: ACMG Guidelines, 2015. Collection method: clinical testing. Allele origin: germline. Study: Canadian Open Genetics Repository. Not counted in ClinVar's aggregate classification.

Literature cited by the submitters: PubMed 24199744 (cited by Labcorp Genetics (formerly Invitae), Labcorp); PubMed 16905551 (cited by Labcorp Genetics (formerly Invitae), Labcorp); PubMed 19349279 (cited by Labcorp Genetics (formerly Invitae), Labcorp); PubMed 16571647 (cited by Labcorp Genetics (formerly Invitae), Labcorp); PubMed 17701892 (cited by Labcorp Genetics (formerly Invitae), Labcorp).